The following is an entry in ClinVar:

NM_001903.5(CTNNA1):c.424G>A (p.Ala142Thr)

Gene: CTNNA1 (catenin alpha 1; plus strand). Cytogenetic location: 5q31.2.
Variant type: single nucleotide variant.
Coding change: c.424G>A on transcript NM_001903.5 (MANE Select); coding-DNA position 424, G replaced by A.
Protein change: p.Ala142Thr; replaces alanine 142 with threonine.
Molecular consequence: missense variant.
Genome position (GRCh38, 1-based): chr5:138,810,160, G>A. VCF-style: chr5-138810160-G-A. GRCh37 (hg19) VCF-style: chr5-138145849-G-A.
Other names: c.424G>A, p.Ala142Thr (NM_001290307.3, NM_001323982.2, NM_001323983.1 and 3 more transcripts); c.115G>A, p.Ala39Thr (NM_001290309.3); c.55G>A, p.Ala19Thr (NM_001290310.3); short protein forms A142T, A19T, A39T.
Identifiers: ClinVar variation 3498253 (VCV003498253.1).
Genomic context (GRCh38, chr5:138,810,160, plus strand): 5'-GGCAACATGGTTCGGGCAGCTCGAGCTTTGCTCTCTGCTGTTACCCGGTTGCTGATTTTG[G>A]CTGACATGGCAGATGTCTACAAATTACTTGTTCAGCTGAAAGTTGTAAGTATACAGGCCT-3'
Protein context (NP_001894.2, residues 132-152): LSAVTRLLIL[Ala142Thr]DMADVYKLLV

ClinVar aggregate classification (germline): Uncertain significance (1 of 4 stars; one submission).

Conditions:
Hereditary cancer-predisposing syndrome. Also called: Tumor predisposition; Neoplastic Syndromes, Hereditary; Hereditary Cancer Syndrome; Hereditary neoplastic syndrome. Identifiers: Orphanet 140162, MedGen C0027672, MeSH D009386, MONDO:0015356.

gnomAD v4.1: 1 of 1,614,176 alleles (0.000062%); highest among the groups gnomAD compares: South Asian, 0.0011%; no homozygotes.

Submission:

Ambry Genetics
Classification: Uncertain significance for Hereditary cancer-predisposing syndrome. Last evaluated: 2024-10-13. Review status: criteria provided, single submitter. Criteria: Ambry Variant Classification Scheme 2023. Collection method: clinical testing. Allele origin: germline.
Comment: The p.A142T variant (also known as c.424G>A), located in coding exon 3 of the CTNNA1 gene, results from a G to A substitution at nucleotide position 424. The alanine at codon 142 is replaced by threonine, an amino acid with similar properties. This amino acid position is conserved. In addition, the in silico prediction for this alteration is inconclusive. Based on the available evidence, the clinical significance of this variant remains unclear.